The following is an entry in ClinVar:

ClinVar aggregate classification (germline): Uncertain significance. Review status: criteria provided, multiple submitters, no conflicts (2 of 4 stars). 2 submissions from 2 submitters: Uncertain significance (2). Last evaluated 2025-12-30.

Conditions:
Immunodeficiency. Identifiers: MedGen C0021051, MONDO:0021094, HP:0002721.

Allele frequency attached by ClinVar (database versions not stated): ExAC 0.00017; gnomAD exomes 0.00017; TOPMed 0.00017; gnomAD 0.00018 and 0.00021; ESP Exome Variant Server 0.00023.
gnomAD v4.1: 281 of 1,614,066 alleles (0.017%); highest among the groups gnomAD compares: Middle Eastern, 0.12%; no homozygotes.

Submissions (2):

Labcorp Genetics (formerly Invitae), Labcorp
Classification: Uncertain significance for Immunodeficiency. Last evaluated: 2025-12-30. Review status: criteria provided, single submitter. Criteria: Invitae Variant Classification Sherloc (09022015). Collection method: clinical testing. Allele origin: germline.
Comment: This sequence change replaces glycine, which is neutral and non-polar, with serine, which is neutral and polar, at codon 1352 of the NFAT5 protein (p.Gly1352Ser). This variant is present in population databases (rs145862239, gnomAD 0.03%). This variant has not been reported in the literature in individuals affected with NFAT5-related conditions. ClinVar contains an entry for this variant (Variation ID: 566168). An algorithm developed to predict the effect of missense changes on protein structure and function outputs the following: PolyPhen-2: "Benign". The serine amino acid residue is found in multiple mammalian species, which suggests that this missense change does not adversely affect protein function. In summary, the available evidence is currently insufficient to determine the role of this variant in disease. Therefore, it has been classified as a Variant of Uncertain Significance.

Ambry Genetics
Classification: Uncertain significance. Last evaluated: 2021-09-17. Review status: criteria provided, single submitter. Criteria: Ambry Variant Classification Scheme 2023. Collection method: clinical testing. Allele origin: germline.

NM_138713.4(NFAT5):c.4336G>A (p.Gly1446Ser)

Gene: NFAT5 (nuclear factor of activated T cells 5; plus strand). Cytogenetic location: 16q22.1.
Variant type: single nucleotide variant.
Coding change: c.4336G>A on transcript NM_138713.4 (MANE Select); coding-DNA position 4336, G replaced by A.
Protein change: p.Gly1446Ser; replaces glycine 1446 with serine.
Molecular consequence: missense variant.
Genome position (GRCh38, 1-based): chr16:69,694,161, G>A. VCF-style: chr16-69694161-G-A. GRCh37 (hg19) VCF-style: chr16-69728064-G-A.
Other names: c.4336G>A (NM_138713.3); c.4336G>A, p.Gly1446Ser (LRG_1332t1); c.4333G>A, p.Gly1445Ser (NM_001113178.3); c.3661G>A, p.Gly1221Ser (NM_001367709.1); c.4282G>A, p.Gly1428Ser (NM_006599.4); c.4054G>A, p.Gly1352Ser (NM_138714.4, NM_173214.3, NM_173215.3); short protein forms G1352S, G1446S, G1445S, G1221S, G1428S.
Identifiers: ClinVar variation 566168 (VCV000566168.10), dbSNP rs145862239, ClinGen allele CA8136037.
Genomic context (GRCh38, chr16:69,694,161, plus strand): 5'-ATTCAAGGAGCCACATCTTCGCCTCAACCACAGGCTACTTTATTTCACAACACAGCAGGA[G>A]GCACAATGAACCAACTGCAGAATTCTCCTGGCTCATCTCAGCAGACATCAGGAATGTTCT-3'
Protein context (NP_619727.2, residues 1436-1456): QATLFHNTAG[Gly1446Ser]TMNQLQNSPG